The following is an entry in ClinVar:

ClinVar aggregate classification (germline): Uncertain significance (1 of 4 stars; one submission).

Allele frequency attached by ClinVar (database versions not stated): gnomAD exomes below 0.00001.
gnomAD v4.1: 1 of 1,611,150 alleles (0.000062%); highest among the groups gnomAD compares: South Asian, 0.0011%; no homozygotes.

Submission:

Labcorp Genetics (formerly Invitae), Labcorp
Classification: Uncertain significance. Last evaluated: 2022-06-08. Review status: criteria provided, single submitter. Criteria: Invitae Variant Classification Sherloc (09022015). Collection method: clinical testing. Allele origin: germline.
Comment: This sequence change replaces alanine, which is neutral and non-polar, with valine, which is neutral and non-polar, at codon 1488 of the TOP2B protein (p.Ala1488Val). This variant is not present in population databases (gnomAD no frequency). This variant has not been reported in the literature in individuals affected with TOP2B-related conditions. Algorithms developed to predict the effect of missense changes on protein structure and function are either unavailable or do not agree on the potential impact of this missense change (SIFT: "Deleterious"; PolyPhen-2: "Benign"; Align-GVGD: "Class C0"). Algorithms developed to predict the effect of sequence changes on RNA splicing suggest that this variant may create or strengthen a splice site. In summary, the available evidence is currently insufficient to determine the role of this variant in disease. Therefore, it has been classified as a Variant of Uncertain Significance.

NM_001330700.2(TOP2B):c.4478C>T (p.Ala1493Val)

Gene: TOP2B (DNA topoisomerase II beta; minus strand). Cytogenetic location: 3p24.2.
Variant type: single nucleotide variant.
Coding change: c.4478C>T on transcript NM_001330700.2 (MANE Select); coding-DNA position 4478, C replaced by T.
Protein change: p.Ala1493Val; replaces alanine 1493 with valine.
Molecular consequence: missense variant.
Genome position (GRCh38, 1-based): chr3:25,604,771, G>A on the plus strand (C>T on the coding strand, the complement: TOP2B is on the minus strand). VCF-style: chr3-25604771-G-A. GRCh37 (hg19) VCF-style: chr3-25646262-G-A.
Other names: c.4463C>T, p.Ala1488Val (NM_001068.3); short protein forms A1493V, A1488V.
Identifiers: ClinVar variation 2003300 (VCV002003300.4), dbSNP rs2529864891, ClinGen allele CA351891497.